The following is an entry in ClinVar:

NM_004415.4(DSP):c.7985A>C (p.His2662Pro)

Gene: DSP (desmoplakin; plus strand). Cytogenetic location: 6p24.3.
Variant type: single nucleotide variant.
Coding change: c.7985A>C on transcript NM_004415.4 (MANE Select); coding-DNA position 7985, A replaced by C.
Protein change: p.His2662Pro; replaces histidine 2662 with proline.
Molecular consequence: missense variant.
Genome position (GRCh38, 1-based): chr6:7,585,247, A>C. VCF-style: chr6-7585247-A-C. GRCh37 (hg19) VCF-style: chr6-7585480-A-C.
Other names: c.6188A>C, p.His2063Pro (NM_001008844.3); c.6656A>C, p.His2219Pro (NM_001319034.2); short protein forms H2063P, H2219P, H2662P.
Identifiers: ClinVar variation 4757502 (VCV004757502.1).

ClinVar aggregate classification (germline): Uncertain significance (1 of 4 stars; one submission).

Conditions:
Cardiomyopathy (CMYO). Also called: Cardiomyopathies. Identifiers: Orphanet 167848, MedGen C0878544, MONDO:0004994, HP:0001638. Inheritance: Various modes of inheritance.

Submission:

Color Diagnostics, LLC DBA Color Health
Classification: Uncertain significance for Cardiomyopathy. Last evaluated: 2025-07-07. Review status: criteria provided, single submitter. Criteria: ACMG Guidelines, 2015. Collection method: clinical testing. Allele origin: germline.
Comment: This missense variant replaces histidine with proline at codon 2662 of the DSP protein. Computational prediction suggests that this variant may not impact protein structure and function. To our knowledge, functional studies have not been reported for this variant. This variant has not been reported in individuals affected with DSP-related disorders in the literature. This variant has not been identified in the general population by the Genome Aggregation Database (gnomAD). The available evidence is insufficient to determine the role of this variant in disease conclusively. Therefore, this variant is classified as a Variant of Uncertain Significance.